The following is an entry in ClinVar:

NM_013254.4(TBK1):c.2067-9T>G

Gene: TBK1 (TANK binding kinase 1; plus strand). Cytogenetic location: 12q14.2.
Variant type: single nucleotide variant.
Coding change: c.2067-9T>G on transcript NM_013254.4 (MANE Select); 9 bases into the intron before coding-DNA position 2067, T replaced by G.
Molecular consequence: intron variant.
Genome position (GRCh38, 1-based): chr12:64,497,959, T>G. VCF-style: chr12-64497959-T-G. GRCh37 (hg19) VCF-style: chr12-64891739-T-G.
Identifiers: ClinVar variation 3687373 (VCV003687373.2).

ClinVar aggregate classification (germline): Uncertain significance (1 of 4 stars; one submission).

Conditions:
Frontotemporal dementia and/or amyotrophic lateral sclerosis 4. Also called: FTDALS4. Identifiers: Orphanet 275872, MedGen C4225325, MONDO:0014641, OMIM 616439.

Submission:

Labcorp Genetics (formerly Invitae), Labcorp
Classification: Uncertain significance for Frontotemporal dementia and/or amyotrophic lateral sclerosis 4. Last evaluated: 2024-05-19. Review status: criteria provided, single submitter. Criteria: Invitae Variant Classification Sherloc (09022015). Collection method: clinical testing. Allele origin: germline.
Comment: This sequence change falls in intron 19 of the TBK1 gene. It does not directly change the encoded amino acid sequence of the TBK1 protein. This variant is not present in population databases (gnomAD no frequency). This variant has not been reported in the literature in individuals affected with TBK1-related conditions. Algorithms developed to predict the effect of sequence changes on RNA splicing suggest that this variant may disrupt the consensus splice site. In summary, the available evidence is currently insufficient to determine the role of this variant in disease. Therefore, it has been classified as a Variant of Uncertain Significance.